The following is an entry in ClinVar:

NM_001768.7(CD8A):c.268T>C (p.Ser90Pro)

Gene: CD8A (CD8 subunit alpha; minus strand). Cytogenetic location: 2p11.2.
Variant type: single nucleotide variant.
Coding change: c.268T>C on transcript NM_001768.7 (MANE Select); coding-DNA position 268, T replaced by C.
Protein change: p.Ser90Pro; replaces serine 90 with proline.
Molecular consequence: missense variant. On other transcripts: non-coding transcript variant (3).
Genome position (GRCh38, 1-based): chr2:86,790,463, A>G on the plus strand (T>C on the coding strand, the complement: CD8A is on the minus strand). VCF-style: chr2-86790463-A-G. GRCh37 (hg19) VCF-style: chr2-87017586-A-G.
Other names: c.268T>C, p.Ser90Pro (NM_001145873.1, NM_001382698.1, NM_171827.4); short protein forms S90P.
Identifiers: ClinVar variation 2103798 (VCV002103798.4), dbSNP rs1189100847, ClinGen allele CA347576975.

ClinVar aggregate classification (germline): Uncertain significance (1 of 4 stars; one submission).

Conditions:
Susceptibility to respiratory infections associated with CD8alpha chain mutation (IMD116). Also called: Cd8 deficiency, familial; IMMUNODEFICIENCY 116. Identifiers: Orphanet 169085, MedGen C1837065, MONDO:0012161, OMIM 608957.

Allele frequency attached by ClinVar (database versions not stated): TOPMed below 0.00001; gnomAD 0.00001; gnomAD exomes 0.00001.

Submission:

Labcorp Genetics (formerly Invitae), Labcorp
Classification: Uncertain significance for Susceptibility to respiratory infections associated with CD8alpha chain mutation. Last evaluated: 2022-05-07. Review status: criteria provided, single submitter. Criteria: Invitae Variant Classification Sherloc (09022015). Collection method: clinical testing. Allele origin: germline.
Comment: This variant has not been reported in the literature in individuals affected with CD8A-related conditions. In summary, the available evidence is currently insufficient to determine the role of this variant in disease. Therefore, it has been classified as a Variant of Uncertain Significance. Algorithms developed to predict the effect of missense changes on protein structure and function are either unavailable or do not agree on the potential impact of this missense change (SIFT: "Deleterious"; PolyPhen-2: "Possibly Damaging"; Align-GVGD: "Class C0"). This variant is not present in population databases (gnomAD no frequency). This sequence change replaces serine, which is neutral and polar, with proline, which is neutral and non-polar, at codon 90 of the CD8A protein (p.Ser90Pro).